The following is an entry in ClinVar:

NM_002047.2(GARS1):c.-317G>A

Gene: GARS1 (glycyl-tRNA synthetase 1; plus strand). Cytogenetic location: 7p14.3.
Variant type: single nucleotide variant.
Coding change: c.-317G>A on transcript NM_002047.2; 317 bases upstream of the start codon, G replaced by A.
Genome position (GRCh38, 1-based): chr7:30,594,605, G>A. VCF-style: chr7-30594605-G-A. GRCh37 (hg19) VCF-style: chr7-30634221-G-A.
Identifiers: ClinVar variation 359990 (VCV000359990.8), dbSNP rs116125961, ClinGen allele CA10629064.
Genomic context (GRCh38, chr7:30,594,605, plus strand): 5'-TCAAGTAGGTCGGCCGGGGTGTCACTCGTATAAAAACCTATGCTTTGAAGGTTCTCGTGT[G>A]TCTCGGCCTGCAGGTCTCGCTCAGAGCTGTGTCCCTGAACATCCACCCTGCTGGGGTGGC-3'

ClinVar aggregate classification (germline): Benign. Review status: criteria provided, multiple submitters, no conflicts (2 of 4 stars). 4 submissions from 2 submitters: Benign (4). Last evaluated 2018-06-14.

Conditions:
Distal spinal muscular atrophy. Also called: Distal hereditary motor neuronopathy; Distal hereditary motor neuropathy. Identifiers: Orphanet 53739, MedGen C0393541, MONDO:0018894.
Neuronopathy, distal hereditary motor, type 5A (HMND5). Also called: Distal Spinal Muscular Atrophy V; Distal Spinal Muscular Atrophy V (dSMA-V); NEURONOPATHY, DISTAL HEREDITARY MOTOR, AUTOSOMAL DOMINANT 5; DHMN VA. Identifiers: Orphanet 139536, MedGen CN031873, MONDO:0015353, OMIM 600794.
Charcot-Marie-Tooth disease type 2D (CMT2D). Also called: Charcot-Marie-Tooth Neuropathy Type 2D; CHARCOT-MARIE-TOOTH DISEASE, AXONAL, TYPE 2D; GARS1 Adolescent- or Early Adult-Onset Hereditary Motor/Sensory Neuropathy (GARS1-HMSN); CHARCOT-MARIE-TOOTH DISEASE, NEURONAL, TYPE 2D. Identifiers: Orphanet 99938, MedGen C1832274, MONDO:0011091, OMIM 601472.

Allele frequency attached by ClinVar (database versions not stated): 1000 Genomes Project 0.02037; gnomAD exomes 0.00175; gnomAD 0.01598 and 0.01714; TOPMed 0.01813; 1000 Genomes Project 30x 0.01921.

Submissions (4):

GeneDx
Classification: Benign. Last evaluated: 2018-06-14. Review status: criteria provided, single submitter. Criteria: GeneDx Variant Classification (06012015). Collection method: clinical testing. Allele origin: germline. Affected: yes.
Comment: This variant is considered likely benign or benign based on one or more of the following criteria: it is a conservative change, it occurs at a poorly conserved position in the protein, it is predicted to be benign by multiple in silico algorithms, and/or has population frequency not consistent with disease.

Illumina Laboratory Services, Illumina
Classification: Benign for Charcot-Marie-Tooth disease type 2D. Last evaluated: 2018-01-12. Review status: criteria provided, single submitter. Criteria: ICSL Variant Classification Criteria 13 December 2019. Collection method: clinical testing. Allele origin: germline.
Comment: This variant was observed in the ICSL laboratory as part of a predisposition screen in an ostensibly healthy population. It had not been previously curated by ICSL or reported in the Human Gene Mutation Database (HGMD: prior to June 1st, 2018), and was therefore a candidate for classification through an automated scoring system. Utilizing variant allele frequency, disease prevalence and penetrance estimates, and inheritance mode, an automated score was calculated to assess if this variant is too frequent to cause the disease. Based on the score and internal cut-off values, a variant classified as benign is not then subjected to further curation. The score for this variant resulted in a classification of benign for this disease.

Illumina Laboratory Services, Illumina
Classification: Benign for Distal hereditary motor neuronopathy type 5. Last evaluated: 2018-01-12. Review status: criteria provided, single submitter. Criteria: ICSL Variant Classification Criteria 13 December 2019. Collection method: clinical testing. Allele origin: germline.
Comment: the same text as in the submission from Illumina Laboratory Services, Illumina above.

Illumina Laboratory Services, Illumina
Classification: Benign for Distal Spinal Muscular Atrophy. Last evaluated: 2018-01-12. Review status: criteria provided, single submitter. Criteria: ICSL Variant Classification Criteria 13 December 2019. Collection method: clinical testing. Allele origin: germline.
Comment: the same text as in the submission from Illumina Laboratory Services, Illumina above.